The following is an entry in ClinVar:

ClinVar aggregate classification (germline): Pathogenic (1 of 4 stars; one submission).

Submission:

Labcorp Genetics (formerly Invitae), Labcorp
Classification: Pathogenic. Last evaluated: 2024-05-06. Review status: criteria provided, single submitter. Criteria: Invitae Variant Classification Sherloc (09022015). Collection method: clinical testing. Allele origin: germline.
Comment: This sequence change creates a premature translational stop signal (p.Ser1533Glnfs*8) in the USH2A gene. It is expected to result in an absent or disrupted protein product. Loss-of-function variants in USH2A are known to be pathogenic (PMID: 10729113, 10909849, 20507924, 25649381). This variant is not present in population databases (gnomAD no frequency). This variant has not been reported in the literature in individuals affected with USH2A-related conditions. For these reasons, this variant has been classified as Pathogenic.

Literature cited by the submitters: PubMed 10729113; PubMed 10909849; PubMed 20507924; PubMed 25649381.

NM_206933.4(USH2A):c.4596_4609del (p.Ser1533fs)

Gene: USH2A (usherin; minus strand). Cytogenetic location: 1q41.
Variant type: Deletion.
Coding change: c.4596_4609del on transcript NM_206933.4 (MANE Select); coding-DNA positions 4596 to 4609, 14 bases deleted (CTCCACTCACCCAG).
Protein change: p.Ser1533fs; shifts the reading frame from serine 1533.
Molecular consequence: frameshift variant.
Genome position (GRCh38, 1-based): chr1:216,175,270-216,175,283, CTGGGTGAGTGGAG deleted on the plus strand (CTCCACTCACCCAG on the coding strand, the reverse complement: USH2A is on the minus strand); deleting any 14 consecutive bases within chr1:216,175,270-216,175,288 gives the same sequence; the c. name uses the placement nearest the transcript's 3' end. VCF-style (leftmost placement, unchanged base first): chr1-216175269-ACTGGGTGAGTGGAG-A. GRCh37 (hg19) VCF-style: chr1-216348611-ACTGGGTGAGTGGAG-A.
Other names: c.4596_4609del, p.Ser1533fs (NM_007123.6); short protein forms S1533fs.
Identifiers: ClinVar variation 3652217 (VCV003652217.2).
Genomic context (GRCh38, chr1:216,175,269, plus strand): 5'-GAGCTTCGTGTCTCCTAAATAAAGCAATGTCAAACACACTTACCAGTGAAGTCTGTATTG[ACTGGGTGAGTGGAG>A]CTGGGAAATTTACAATACCCATTTCCTATGAAACGGATTCCTTTCATCATCGTGGTCATC-3'